The following is an entry in ClinVar:

NM_001378452.1(ITPR1):c.3057A>G (p.Ser1019=)

Gene: ITPR1 (inositol 1,4,5-trisphosphate receptor type 1; plus strand). Cytogenetic location: 3p26.1.
Variant type: single nucleotide variant.
Coding change: c.3057A>G on transcript NM_001378452.1 (MANE Select); coding-DNA position 3057, A replaced by G.
Protein change: p.Ser1019=; no amino-acid change (serine 1019 retained).
Molecular consequence: synonymous variant.
Genome position (GRCh38, 1-based): chr3:4,680,642, A>G. VCF-style: chr3-4680642-A-G. GRCh37 (hg19) VCF-style: chr3-4722326-A-G.
Other names: c.3030A>G, p.Ser1010= (NM_001099952.4); c.3012A>G, p.Ser1004= (NM_001168272.2); c.2985A>G, p.Ser995= (NM_002222.7).
Identifiers: ClinVar variation 345720 (VCV000345720.45), dbSNP rs200705345, ClinGen allele CA2231578.

ClinVar aggregate classification (germline): Benign/Likely benign. Review status: criteria provided, multiple submitters, no conflicts (2 of 4 stars). 8 submissions from 8 submitters: Benign (2); Likely benign (5). 1 of the submissions does not count toward it. Last evaluated 2026-09-01.

Conditions:
Autosomal dominant cerebellar ataxia. Also called: Spinocerebellar Ataxia, Dominant. Identifiers: Orphanet 99, MedGen C4087347, MONDO:0020380.
ITPR1-related disorder. Also called: ITPR1-related condition.

Allele frequency attached by ClinVar (database versions not stated): 1000 Genomes Project 30x 0.00016; 1000 Genomes Project 0.00020; TOPMed 0.00047; ESP Exome Variant Server 0.00067; gnomAD exomes 0.00083 and 0.00088; gnomAD 0.00085 and 0.00090; ExAC 0.00091.
gnomAD v4.1: 1,320 of 1,613,926 alleles (0.082%); highest among the groups gnomAD compares: Non-Finnish European, 0.085%; 2 homozygotes.

Submissions (8):

CeGaT Center for Human Genetics Tuebingen
Classification: Likely benign. Last evaluated: 2026-09-01. Review status: criteria provided, single submitter. Criteria: CeGaT Center For Human Genetics Tuebingen Variant Classification Criteria Version 2. Collection method: clinical testing. Allele origin: germline. Affected: yes. Observed: 8 variant alleles.
Comment: ITPR1: BP4, BP7

Labcorp Genetics (formerly Invitae), Labcorp
Classification: Benign. Last evaluated: 2026-01-28. Review status: criteria provided, single submitter. Criteria: Invitae Variant Classification Sherloc (09022015). Collection method: clinical testing. Allele origin: germline.

Blueprint Genetics
Classification: Likely benign. Last evaluated: 2024-11-01. Review status: criteria provided, single submitter. Criteria: ACMG Guidelines, 2015. Collection method: clinical testing. Allele origin: germline.

Athena Diagnostics
Classification: Benign. Last evaluated: 2024-06-05. Review status: criteria provided, single submitter. Criteria: Athena Diagnostics Criteria. Collection method: clinical testing. Allele origin: unknown.

GeneDx
Classification: Likely benign. Last evaluated: 2021-10-27. Review status: criteria provided, single submitter. Criteria: GeneDx Variant Classification Process June 2021. Collection method: clinical testing. Allele origin: germline. Affected: yes.

Illumina Laboratory Services, Illumina
Classification: Likely benign for Spinocerebellar Ataxia, Dominant. Last evaluated: 2018-01-12. Review status: criteria provided, single submitter. Criteria: ICSL Variant Classification Criteria 13 December 2019. Collection method: clinical testing. Allele origin: germline.
Comment: This variant was observed in the ICSL laboratory as part of a predisposition screen in an ostensibly healthy population. It had not been previously curated by ICSL or reported in the Human Gene Mutation Database (HGMD: prior to June 1st, 2018), and was therefore a candidate for classification through an automated scoring system. Utilizing variant allele frequency, disease prevalence and penetrance estimates, and inheritance mode, an automated score was calculated to assess if this variant is too frequent to cause the disease. Based on the score and internal cut-off values, a variant classified as likely benign is not then subjected to further curation. The score for this variant resulted in a classification of likely benign for this disease.

Breakthrough Genomics
Classification: Likely benign. Review status: criteria provided, single submitter. Criteria: ACMG Guidelines, 2015. Collection method: not provided. Allele origin: germline. Inheritance: Autosomal dominant inheritance. Affected: yes.

PreventionGenetics, part of Exact Sciences
Classification: Likely benign for ITPR1-related condition. Last evaluated: 2019-04-15. Review status: no assertion criteria provided. Collection method: clinical testing. Allele origin: germline. Not counted in ClinVar's aggregate classification.
Comment: This variant is classified as likely benign based on ACMG/AMP sequence variant interpretation guidelines (Richards et al. 2015 PMID: 25741868, with internal and published modifications).